The following is an entry in ClinVar:

NM_000329.3(RPE65):c.1244C>T (p.Ala415Val)

Gene: RPE65 (retinoid isomerohydrolase RPE65; minus strand). Cytogenetic location: 1p31.3.
Variant type: single nucleotide variant.
Coding change: c.1244C>T on transcript NM_000329.3 (MANE Select); coding-DNA position 1244, C replaced by T.
Protein change: p.Ala415Val; replaces alanine 415 with valine.
Molecular consequence: missense variant.
Genome position (GRCh38, 1-based): chr1:68,431,376, G>A on the plus strand (C>T on the coding strand, the complement: RPE65 is on the minus strand). VCF-style: chr1-68431376-G-A. GRCh37 (hg19) VCF-style: chr1-68897059-G-A.
Other names: NM_000329.3(RPE65):c.1244C>T; p.Ala415Val; short protein forms A415V.
Identifiers: ClinVar variation 421620 (VCV000421620.5), dbSNP rs1064795255, ClinGen allele CA16617183.

ClinVar aggregate classification (germline): Likely pathogenic. Review status: reviewed by expert panel (3 of 4 stars). 3 submissions from 3 submitters: Likely pathogenic (1). 2 of the submissions do not count toward it. Last evaluated 2026-08-20.

Conditions:
RPE65-related recessive retinopathy. Also called: Recessive RPE65 retinopathy. Identifiers: MedGen CN305526, MONDO:0100368.
Retinitis pigmentosa 87 with choroidal involvement. Identifiers: MedGen C5231465, MONDO:0032873, OMIM 618697.
Retinitis pigmentosa 20 (RP20). Identifiers: Orphanet 791, MedGen C3151086, MONDO:0013425, OMIM 613794.
Leber congenital amaurosis 2 (LCA2). Also called: AMAUROSIS CONGENITA OF LEBER II; Autosomal Recessive RPE65-Related Retinal Degeneration. Identifiers: Orphanet 65, MedGen C1859844, MONDO:0008765, OMIM 204100. Disease mechanism: loss of function.

Allele frequency attached by ClinVar (database versions not stated): TOPMed below 0.00001; gnomAD exomes below 0.00001; gnomAD 0.00001.
gnomAD v4.1: 2 of 1,613,336 alleles (0.00012%); no homozygotes.

Submissions (3):

ClinGen Leber Congenital Amaurosis/early Onset Retinal Dystrophy Variant Curation Expert Panel, ClinGen
Classification: Likely pathogenic for RPE65-related recessive retinopathy. Last evaluated: 2026-08-20. Review status: reviewed by expert panel. Criteria: ClinGen LCAeoRD ACMG Specifications RPE65 V1.0.0. Collection method: curation. Allele origin: germline. Inheritance: Autosomal recessive inheritance.
Comment: NM_000329.3(RPE65):c.1244C>T is a missense variant causing substitution of alanine with valine at position p.415. This variant is present in gnomAD v.4.1.1 at a total allele frequency of 0.00000124, with 2 alleles / 1613336 total alleles, which is lower than the ClinGen LCA / eoRD VCEP PM2_Supporting threshold of <0.0002 (PM2_Supporting). This variant has been reported in at least 1 proband with early-onset severe retinal dystrophy who was compound heterozygous with the NM_000329.3(RPE65):c.886dup (p.Arg296fs) variant suspected in trans (PMID: 27102010, PMID: 30268864, PMID: 37660736), which was previously classified pathogenic by the ClinGen LCA / eoRD VCEP (0.5 total points, PM3_Supporting). At least one proband harboring this variant has exhibited a phenotype including diagnosis of Leber congenital amaurosis (0.5 pts), onset before age 5 years (1 pt), flat ERG responses for rods (0.5 pts) and cones (1 pt), and improvement of night vision following RPE65 gene therapy (8 pts), which together are highly specific for RPE65-related recessive retinopathy (11 total pts, PMID: 37660736, PP4_Moderate). The computational predictor REVEL gives a score of 0.775, which is above the ClinGen LCA / eoRD VCEP threshold of ≥0.773 and predicts a damaging effect on RPE65 function (PP3_Moderate). In summary, this variant meets the criteria to be classified as likely pathogenic for RPE65-related recessive retinopathy based on the ACMG/AMP criteria applied, as specified by the ClinGen LCA / eoRD VCEP: PM2_Supporting, PM3_Supporting, PP3_Moderate, and PP4_Moderate. (LCA/eoRD VCEP specifications version 1.0).

Department of Pathology and Laboratory Medicine, Sinai Health System
Classification: Likely pathogenic for Leber congenital amaurosis 2; Retinitis pigmentosa 20; Retinitis pigmentosa 87 with choroidal involvement. Last evaluated: 2023-10-07. Review status: criteria provided, single submitter. Criteria: ACMG Guidelines, 2015. Collection method: research. Allele origin: germline. Not counted in ClinVar's aggregate classification.

GeneDx
Classification: Likely pathogenic. Last evaluated: 2018-01-05. Review status: criteria provided, single submitter. Criteria: GeneDx Variant Classification (06012015). Collection method: clinical testing. Allele origin: germline. Affected: yes. Not counted in ClinVar's aggregate classification.
Comment: The A415V variant in the RPE65 gene has been reported previously as a pathogenic variant, in trans with another RPE65 variant, in a child with Leber congenital amaurosis (Weleber et al., 2016). The A415V variant was not observed in approximately 6500 individuals of European and African American ancestry in the NHLBI Exome Sequencing Project, indicating it is not a common benign variant in these populations. The A415V variant is a conservative amino acid substitution, which is not likely to impact secondary protein structure as these residues share similar properties. This substitution occurs at a position that is conserved across species, however, in silico analysis is inconsistent in its predictions as to whether or not the variant is damaging to the protein structure/function. The A415V variant is a strong candidate for a pathogenic variant, however the possibility it may be a rare benign variant cannot be excluded.